The following is an entry in ClinVar:

ClinVar aggregate classification (germline): Benign (1 of 4 stars; one submission).

Submission:

Unidad de Genómica Garrahan, Hospital de Pediatría Garrahan
Classification: Benign. Last evaluated: 2024-01-24. Review status: criteria provided, single submitter. Criteria: ACMG Guidelines, 2015. Collection method: clinical testing. Allele origin: germline. Affected: no. Observed: 18 variant alleles.
Comment: This variant is classified as Benign based on local population frequency. This variant was detected in 20% of patients studied by a panel of primary immunodeficiencies. Number of patients: 18. Only high quality variants are reported.

NM_018248.3(NEIL3):c.413+10dup

Gene: NEIL3 (nei like DNA glycosylase 3; plus strand). Cytogenetic location: 4q34.3.
Variant type: Duplication.
Coding change: c.413+10dup on transcript NM_018248.3 (MANE Select); 10 bases into the intron after coding-DNA position 413, one base duplicated (A; older notation c.413+10dupA).
Molecular consequence: intron variant.
Genome position (GRCh38, 1-based): chr4:177,335,832, A duplicated; the last of 8 consecutive A bases (chr4:177,335,825-177,335,832); duplicating any one gives the same sequence. VCF-style (leftmost placement, unchanged base first): chr4-177335824-T-TA. GRCh37 (hg19) VCF-style: chr4-178256978-T-TA.
Identifiers: ClinVar variation 2688512 (VCV002688512.2), dbSNP rs35737622, ClinGen allele CA3146237.